The following is an entry in ClinVar:

ClinVar aggregate classification (germline): Uncertain significance (1 of 4 stars; one submission).

Conditions:
Werner syndrome (WRN). Identifiers: Orphanet 902, MedGen C0043119, MONDO:0010196, OMIM 277700.

Submission:

Labcorp Genetics (formerly Invitae), Labcorp
Classification: Uncertain significance for Werner syndrome. Last evaluated: 2022-01-21. Review status: criteria provided, single submitter. Criteria: Invitae Variant Classification Sherloc (09022015). Collection method: clinical testing. Allele origin: germline.
Comment: In summary, the available evidence is currently insufficient to determine the role of this variant in disease. Therefore, it has been classified as a Variant of Uncertain Significance. Algorithms developed to predict the effect of missense changes on protein structure and function are either unavailable or do not agree on the potential impact of this missense change (SIFT: "Not Available"; PolyPhen-2: "Probably Damaging"; Align-GVGD: "Not Available"). This variant has not been reported in the literature in individuals affected with WRN-related conditions. This variant is not present in population databases (gnomAD no frequency). This sequence change replaces tyrosine, which is neutral and polar, with aspartic acid, which is acidic and polar, at codon 583 of the WRN protein (p.Tyr583Asp).

NM_000553.6(WRN):c.1747T>G (p.Tyr583Asp)

Gene: WRN (WRN RecQ like helicase; plus strand). Cytogenetic location: 8p12.
Variant type: single nucleotide variant.
Coding change: c.1747T>G on transcript NM_000553.6 (MANE Select); coding-DNA position 1747, T replaced by G.
Protein change: p.Tyr583Asp; replaces tyrosine 583 with aspartic acid.
Molecular consequence: missense variant.
Genome position (GRCh38, 1-based): chr8:31,090,860, T>G. VCF-style: chr8-31090860-T-G. GRCh37 (hg19) VCF-style: chr8-30948376-T-G.
Other names: short protein forms Y583D.
Identifiers: ClinVar variation 2085422 (VCV002085422.4), dbSNP rs1362516604, ClinGen allele CA370927622.
Genomic context (GRCh38, chr8:31,090,860, plus strand): 5'-TTTCATTTTATTTTTATATTTTTTTCATTTCAAGGATATGGAAAGAGTTTGTGCTTCCAG[T>G]ATCCACCTGTTTATGTAGGCAAGATTGGCCTTGTTATCTCTCCCCTTATTTCTCTGATGG-3'
Protein context (NP_000544.2, residues 573-593): TGYGKSLCFQ[Tyr583Asp]PPVYVGKIGL